The following is an entry in ClinVar:

NM_004104.5(FASN):c.4405C>A (p.Leu1469Ile)

Gene: FASN (fatty acid synthase; minus strand). Cytogenetic location: 17q25.3.
Variant type: single nucleotide variant.
Coding change: c.4405C>A on transcript NM_004104.5 (MANE Select); coding-DNA position 4405, C replaced by A.
Protein change: p.Leu1469Ile; replaces leucine 1469 with isoleucine.
Molecular consequence: missense variant.
Genome position (GRCh38, 1-based): chr17:82,085,039, G>T on the plus strand (C>A on the coding strand, the complement: FASN is on the minus strand). VCF-style: chr17-82085039-G-T. GRCh37 (hg19) VCF-style: chr17-80042915-G-T.
Other names: short protein forms L1469I.
Identifiers: ClinVar variation 2999582 (VCV002999582.3), dbSNP rs1452884752, ClinGen allele CA401546902.

ClinVar aggregate classification (germline): Uncertain significance (1 of 4 stars; one submission).

Conditions:
Epileptic encephalopathy. Identifiers: MedGen C0543888, HP:0200134.

Submission:

Labcorp Genetics (formerly Invitae), Labcorp
Classification: Uncertain significance for Epileptic encephalopathy. Last evaluated: 2023-02-19. Review status: criteria provided, single submitter. Criteria: Invitae Variant Classification Sherloc (09022015). Collection method: clinical testing. Allele origin: germline.
Comment: In summary, the available evidence is currently insufficient to determine the role of this variant in disease. Therefore, it has been classified as a Variant of Uncertain Significance. Algorithms developed to predict the effect of missense changes on protein structure and function output the following: SIFT: "Not Available"; PolyPhen-2: "Benign"; Align-GVGD: "Not Available". The isoleucine amino acid residue is found in multiple mammalian species, which suggests that this missense change does not adversely affect protein function. This variant has not been reported in the literature in individuals affected with FASN-related conditions. This variant is not present in population databases (gnomAD no frequency). This sequence change replaces leucine, which is neutral and non-polar, with isoleucine, which is neutral and non-polar, at codon 1469 of the FASN protein (p.Leu1469Ile).